The following is an entry in ClinVar:

NM_001440.4(EXTL3):c.1444G>A (p.Ala482Thr)

Gene: EXTL3 (exostosin like glycosyltransferase 3; plus strand). Cytogenetic location: 8p21.1.
Variant type: single nucleotide variant.
Coding change: c.1444G>A on transcript NM_001440.4 (MANE Select); coding-DNA position 1444, G replaced by A.
Protein change: p.Ala482Thr; replaces alanine 482 with threonine.
Molecular consequence: missense variant.
Genome position (GRCh38, 1-based): chr8:28,717,503, G>A. VCF-style: chr8-28717503-G-A. GRCh37 (hg19) VCF-style: chr8-28575020-G-A.
Other names: c.1444G>A, p.Ala482Thr (NM_001437797.1, NM_001438399.1, NM_001438400.1 and 4 more transcripts); short protein forms A482T.
Identifiers: ClinVar variation 4618964 (VCV004618964.2).

ClinVar aggregate classification (germline): Uncertain significance. Review status: criteria provided, multiple submitters, no conflicts (2 of 4 stars). 2 submissions from 2 submitters: Uncertain significance (2). Last evaluated 2025-11-03.

Conditions:
Inborn genetic diseases. Identifiers: MedGen C0950123, MeSH D030342.

Submissions (2):

Ambry Genetics
Classification: Uncertain significance for Inborn genetic diseases. Last evaluated: 2025-11-03. Review status: criteria provided, single submitter. Criteria: Ambry Variant Classification Scheme 2023. Collection method: clinical testing. Allele origin: germline.

Labcorp Genetics (formerly Invitae), Labcorp
Classification: Uncertain significance. Last evaluated: 2025-02-27. Review status: criteria provided, single submitter. Criteria: Invitae Variant Classification Sherloc (09022015). Collection method: clinical testing. Allele origin: germline.
Comment: This sequence change replaces alanine, which is neutral and non-polar, with threonine, which is neutral and polar, at codon 482 of the EXTL3 protein (p.Ala482Thr). This variant is present in population databases (rs767996682, gnomAD 0.004%). This variant has not been reported in the literature in individuals affected with EXTL3-related conditions. Invitae Evidence Modeling of protein sequence and biophysical properties (such as structural, functional, and spatial information, amino acid conservation, physicochemical variation, residue mobility, and thermodynamic stability) indicates that this missense variant is not expected to disrupt EXTL3 protein function with a negative predictive value of 80%. In summary, the available evidence is currently insufficient to determine the role of this variant in disease. Therefore, it has been classified as a Variant of Uncertain Significance.